The following is an entry in ClinVar:

NM_032228.6(FAR1):c.506C>T (p.Pro169Leu)

Gene: FAR1 (fatty acyl-CoA reductase 1; plus strand). Cytogenetic location: 11p15.3.
Variant type: single nucleotide variant.
Coding change: c.506C>T on transcript NM_032228.6 (MANE Select); coding-DNA position 506, C replaced by T.
Protein change: p.Pro169Leu; replaces proline 169 with leucine.
Molecular consequence: missense variant.
Genome position (GRCh38, 1-based): chr11:13,708,040, C>T. VCF-style: chr11-13708040-C-T. GRCh37 (hg19) VCF-style: chr11-13729587-C-T.
Other names: c.506C>T (NM_032228.5); short protein forms P169L.
Identifiers: ClinVar variation 1718476 (VCV001718476.7), dbSNP rs2500127166, ClinGen allele CA379857044.

ClinVar aggregate classification (germline): Uncertain significance. Review status: criteria provided, multiple submitters, no conflicts (2 of 4 stars). 3 submissions from 3 submitters: Uncertain significance (3). Last evaluated 2025-11-17.

Conditions:
Inborn genetic diseases. Identifiers: MedGen C0950123, MeSH D030342.

Submissions (3):

Ambry Genetics
Classification: Uncertain significance for Inborn genetic diseases. Last evaluated: 2025-11-17. Review status: criteria provided, single submitter. Criteria: Ambry Variant Classification Scheme 2023. Collection method: clinical testing. Allele origin: germline.

GeneDx
Classification: Uncertain significance. Last evaluated: 2024-03-18. Review status: criteria provided, single submitter. Criteria: GeneDx Variant Classification Process June 2021. Collection method: clinical testing. Allele origin: germline. Affected: yes.
Comment: Not observed at significant frequency in large population cohorts (gnomAD); In silico analysis supports that this missense variant has a deleterious effect on protein structure/function; Has not been previously published as pathogenic or benign to our knowledge

Labcorp Genetics (formerly Invitae), Labcorp
Classification: Uncertain significance. Last evaluated: 2022-09-16. Review status: criteria provided, single submitter. Criteria: Invitae Variant Classification Sherloc (09022015). Collection method: clinical testing. Allele origin: germline.
Comment: This sequence change replaces proline, which is neutral and non-polar, with leucine, which is neutral and non-polar, at codon 169 of the FAR1 protein (p.Pro169Leu). This variant is not present in population databases (gnomAD no frequency). This variant has not been reported in the literature in individuals affected with FAR1-related conditions. Advanced modeling of protein sequence and biophysical properties (such as structural, functional, and spatial information, amino acid conservation, physicochemical variation, residue mobility, and thermodynamic stability) has been performed at Invitae for this missense variant, however the output from this modeling did not meet the statistical confidence thresholds required to predict the impact of this variant on FAR1 protein function. In summary, the available evidence is currently insufficient to determine the role of this variant in disease. Therefore, it has been classified as a Variant of Uncertain Significance.